The following is an entry in ClinVar:

NM_000051.4(ATM):c.8049_8056dup (p.Phe2686fs)

Genes: ATM (ATM serine/threonine kinase; plus strand), C11orf65 (chromosome 11 open reading frame 65; minus strand). Cytogenetic location: 11q22.3.
Variant type: Duplication.
Coding change: c.8049_8056dup on transcript NM_000051.4 (MANE Select); coding-DNA positions 8049 to 8056, 8 bases duplicated (ACAGTCAT; older notation c.8049_8056dupACAGTCAT).
Protein change: p.Phe2686fs; shifts the reading frame from phenylalanine 2686.
Molecular consequence: frameshift variant. On other transcripts: intron variant (2).
Genome position (GRCh38, 1-based): chr11:108,335,007-108,335,014, ACAGTCAT duplicated; duplicating any 8 consecutive bases within chr11:108,335,005-108,335,014 gives the same sequence; the c. name uses the placement nearest the transcript's 3' end. VCF-style (leftmost placement, unchanged base first): chr11-108335004-T-TATACAGTC. GRCh37 (hg19) VCF-style: chr11-108205731-T-TATACAGTC.
Other names: c.8049_8056dup, p.Phe2686fs (NM_001351834.2); c.641-25941_641-25934dup (NM_001330368.2); c.*38+208_*38+215dup (NM_001351110.2); short protein forms F2686fs.
Identifiers: ClinVar variation 2104849 (VCV002104849.4), dbSNP rs1355690953, ClinGen allele CA602132850.
Genomic context (GRCh38, chr11:108,335,004, plus strand): 5'-TCAATCATGTTTATACTTTTATTAGGTGGACCACACAGGAGAATATGGAAATCTGGTGAC[T>TATACAGTC]ATACAGTCATTTAAAGCAGAATTTCGCTTAGCAGGAGGTGTAAATTTACCAAAAATAATA-3'

ClinVar aggregate classification (germline): Pathogenic (1 of 4 stars; one submission).

Conditions:
Ataxia-telangiectasia syndrome (AT). Also called: ATAXIA-TELANGIECTASIA, COMPLEMENTATION GROUP A; ATAXIA-TELANGIECTASIA, FRESNO VARIANT; Ataxia-telangiectasia; Ataxia-telangiectasia, complementation group E; LOUIS-BAR SYNDROME; Cerebello-oculocutaneous telangiectasia. Identifiers: Orphanet 100, MedGen C0004135, MONDO:0008840, OMIM 208900.

Submission:

Labcorp Genetics (formerly Invitae), Labcorp
Classification: Pathogenic for Ataxia-telangiectasia syndrome. Last evaluated: 2025-03-17. Review status: criteria provided, single submitter. Criteria: Invitae Variant Classification Sherloc (09022015). Collection method: clinical testing. Allele origin: germline.
Comment: This sequence change creates a premature translational stop signal (p.Phe2686Tyrfs*10) in the ATM gene. It is expected to result in an absent or disrupted protein product. Loss-of-function variants in ATM are known to be pathogenic (PMID: 23807571, 25614872). This variant is present in population databases (no rsID available, gnomAD 0.006%). This premature translational stop signal has been observed in individual(s) with pancreatic cancer (PMID: 29922827). ClinVar contains an entry for this variant (Variation ID: 2104849). For these reasons, this variant has been classified as Pathogenic.

Literature cited by the submitters: PubMed 23807571; PubMed 25614872; PubMed 29922827.